The following is an entry in ClinVar:

NM_004171.4(SLC1A2):c.1369G>A (p.Val457Met)

Gene: SLC1A2 (solute carrier family 1 member 2; minus strand). Cytogenetic location: 11p13.
Variant type: single nucleotide variant.
Coding change: c.1369G>A on transcript NM_004171.4 (MANE Select); coding-DNA position 1369, G replaced by A.
Protein change: p.Val457Met; replaces valine 457 with methionine.
Molecular consequence: missense variant.
Genome position (GRCh38, 1-based): chr11:35,280,919, C>T on the plus strand (G>A on the coding strand, the complement: SLC1A2 is on the minus strand). VCF-style: chr11-35280919-C-T. GRCh37 (hg19) VCF-style: chr11-35302466-C-T.
Other names: c.1342G>A, p.Val448Met (NM_001195728.3, NM_001252652.2); short protein forms V448M, V457M.
Identifiers: ClinVar variation 1044730 (VCV001044730.9), dbSNP rs748628129, ClinGen allele CA5947092.
Genomic context (GRCh38, chr11:35,280,919, plus strand): 5'-ACACTTACAGCAGCCAGTCCACAGCCACCAGCAGGCTGATGTCCTCTGTTGGCAGGCCCA[C>T]GGCTGTCAGAATGAGGAGCATGGTGACCAGCCCGGCACTGGGGATACTGGCCGCGCCGAC-3'
Protein context (NP_004162.2, residues 447-467): LVTMLLILTA[Val457Met]GLPTEDISLL

ClinVar aggregate classification (germline): Conflicting classifications of pathogenicity. Review status: criteria provided, conflicting classifications (1 of 4 stars). 2 submissions from 2 submitters: Uncertain significance (1); Likely benign (1). Last evaluated 2025-10-13.

Allele frequency attached by ClinVar (database versions not stated): TOPMed 0.00002; gnomAD 0.00003; gnomAD exomes 0.00004 and 0.00005; ExAC 0.00006.
gnomAD v4.1: 68 of 1,613,180 alleles (0.0042%); highest among the groups gnomAD compares: South Asian, 0.0066%; no homozygotes.

Submissions (2):

Labcorp Genetics (formerly Invitae), Labcorp
Classification: Likely benign. Last evaluated: 2025-10-13. Review status: criteria provided, single submitter. Criteria: Invitae Variant Classification Sherloc (09022015). Collection method: clinical testing. Allele origin: germline.

Women's Health and Genetics/Laboratory Corporation of America, LabCorp
Classification: Uncertain significance. Last evaluated: 2025-05-09. Review status: criteria provided, single submitter. Criteria: LabCorp Variant Classification Summary - May 2015. Collection method: clinical testing. Allele origin: germline.
Comment: Variant summary: SLC1A2 c.1369G>A (p.Val457Met) results in a conservative amino acid change in the encoded protein sequence. Algorithms developed to predict the effect of missense changes on protein structure and function are either unavailable or do not agree on the potential impact of this missense change. The variant allele was found at a frequency of 4.8e-05 in 250306 control chromosomes. This frequency is not significantly higher than estimated for a pathogenic variant in SLC1A2 causing Epileptic Encephalopathy, Early Infantile, 41, allowing no conclusion about variant significance. To our knowledge, no occurrence of c.1369G>A in individuals affected with Epileptic Encephalopathy, Early Infantile, 41 and no experimental evidence demonstrating its impact on protein function have been reported. ClinVar contains an entry for this variant (Variation ID: 1044730). Based on the evidence outlined above, the variant was classified as uncertain significance.